The following is an entry in ClinVar:

ClinVar aggregate classification (germline): Uncertain significance. Review status: criteria provided, multiple submitters, no conflicts (2 of 4 stars). 5 submissions from 5 submitters: Uncertain significance (4). 1 of the submissions does not count toward it. Last evaluated 2025-12-09.

Conditions:
P3H1-related disorder. Also called: P3H1-related condition.
Osteogenesis imperfecta type 8 (OI8). Identifiers: MedGen C1970458, MONDO:0012581, OMIM 610915.

Allele frequency attached by ClinVar (database versions not stated): ExAC 0.00002; gnomAD exomes 0.00004 and 0.00013; gnomAD 0.00005 and 0.00006; TOPMed 0.00008; ESP Exome Variant Server 0.00015.

Submissions (5):

GeneDx
Classification: Uncertain significance. Last evaluated: 2025-12-09. Review status: criteria provided, single submitter. Criteria: GeneDx Variant Classification Process June 2021. Collection method: clinical testing. Allele origin: germline. Affected: yes.
Comment: In silico analysis supports that this missense variant has a deleterious effect on protein structure/function; Has not been previously published as pathogenic or benign to our knowledge

Genome-Nilou Lab
Classification: Uncertain significance for Osteogenesis imperfecta type 8. Last evaluated: 2023-04-11. Review status: criteria provided, single submitter. Criteria: ACMG Guidelines, 2015. Collection method: clinical testing. Allele origin: germline. Affected: no.

ARUP Laboratories, Molecular Genetics and Genomics, ARUP Laboratories
Classification: Uncertain significance for Osteogenesis imperfecta type 8. Last evaluated: 2023-02-23. Review status: criteria provided, single submitter. Criteria: ARUP Molecular Germline Variant Investigation Process 2024. Collection method: clinical testing. Allele origin: germline.
Comment: The P3H1 c.1828C>T; p.Arg610Cys variant (rs150808079), to our knowledge, is not reported in the medical literature but is reported in ClinVar (Variation ID: 578914). This variant is found in the general population with an overall allele frequency of 0.005% (14/281,996 alleles) in the Genome Aggregation Database. Computational analyses are uncertain whether this variant is neutral or deleterious (REVEL: 0.629). Due to limited information, the clinical significance of this variant is uncertain at this time.

Labcorp Genetics (formerly Invitae), Labcorp
Classification: Uncertain significance for Osteogenesis imperfecta type 8. Last evaluated: 2022-10-04. Review status: criteria provided, single submitter. Criteria: Invitae Variant Classification Sherloc (09022015). Collection method: clinical testing. Allele origin: germline.
Comment: This sequence change replaces arginine, which is basic and polar, with cysteine, which is neutral and slightly polar, at codon 610 of the P3H1 protein (p.Arg610Cys). This variant is present in population databases (rs150808079, gnomAD 0.01%). This variant has not been reported in the literature in individuals affected with P3H1-related conditions. ClinVar contains an entry for this variant (Variation ID: 578914). Advanced modeling of protein sequence and biophysical properties (such as structural, functional, and spatial information, amino acid conservation, physicochemical variation, residue mobility, and thermodynamic stability) performed at Invitae indicates that this missense variant is expected to disrupt P3H1 protein function. In summary, the available evidence is currently insufficient to determine the role of this variant in disease. Therefore, it has been classified as a Variant of Uncertain Significance.

PreventionGenetics, part of Exact Sciences
Classification: Uncertain significance for P3H1-related condition. Last evaluated: 2024-03-12. Review status: no assertion criteria provided. Collection method: clinical testing. Allele origin: germline. Not counted in ClinVar's aggregate classification.
Comment: The P3H1 c.1828C>T variant is predicted to result in the amino acid substitution p.Arg610Cys. To our knowledge, this variant has not been reported in the literature. This variant is reported in 0.016% of alleles in individuals of African descent in gnomAD. At this time, the clinical significance of this variant is uncertain due to the absence of conclusive functional and genetic evidence.

NM_022356.4(P3H1):c.1828C>T (p.Arg610Cys)

Gene: P3H1 (prolyl 3-hydroxylase 1; minus strand). Cytogenetic location: 1p34.2.
Variant type: single nucleotide variant.
Coding change: c.1828C>T on transcript NM_022356.4 (MANE Select); coding-DNA position 1828, C replaced by T.
Protein change: p.Arg610Cys; replaces arginine 610 with cysteine.
Molecular consequence: missense variant.
Genome position (GRCh38, 1-based): chr1:42,748,210, G>A on the plus strand (C>T on the coding strand, the complement: P3H1 is on the minus strand). VCF-style: chr1-42748210-G-A. GRCh37 (hg19) VCF-style: chr1-43213881-G-A.
Other names: c.1828C>T, p.Arg610Cys (NM_001146289.2, NM_001243246.2); short protein forms R610C.
Identifiers: ClinVar variation 578914 (VCV000578914.14), dbSNP rs150808079, ClinGen allele CA801691.